The following is an entry in ClinVar:

NM_213622.4(STAMBP):c.376-1G>A

Gene: STAMBP (STAM binding protein; plus strand). Cytogenetic location: 2p13.1.
Variant type: single nucleotide variant.
Coding change: c.376-1G>A on transcript NM_213622.4 (MANE Select); the canonical splice acceptor site of the intron before coding-DNA position 376, G replaced by A.
Molecular consequence: splice acceptor variant.
Genome position (GRCh38, 1-based): chr2:73,847,386, G>A. VCF-style: chr2-73847386-G-A. GRCh37 (hg19) VCF-style: chr2-74074513-G-A.
Other names: c.-30-1G>A (NM_001353976.2, NM_001353974.2, NM_001353975.2 and 3 more transcripts); c.376-1G>A (NM_001353970.2, NM_006463.6, NM_001353968.2 and 3 more transcripts).
Identifiers: ClinVar variation 3767307 (VCV003767307.2).

ClinVar aggregate classification (germline): Likely pathogenic (1 of 4 stars; one submission).

Conditions:
Microcephaly-capillary malformation syndrome (MICCAP). Identifiers: Orphanet 294016, MedGen C3280296, MONDO:0013659, OMIM 614261.

gnomAD v4.1: 4 of 1,592,836 alleles (0.00025%); highest among the groups gnomAD compares: Non-Finnish European, 0.00034%; no homozygotes.

Submission:

Neurogenetics Team, Indira Gandhi Institute of Child Health
Classification: Likely pathogenic for Microcephaly-capillary malformation syndrome. Last evaluated: 2025-02-06. Review status: criteria provided, single submitter. Criteria: ACMG Guidelines, 2015. Collection method: clinical testing. Allele origin: biparental. Inheritance: Autosomal recessive inheritance. Affected: yes. Observed: 1 homozygote.
Comment: The splice variant, c.376-1G>A is a null variant in a gene where loss of function is a known mechanism of disease causation. The variant is predicted to cause exon skipping and is expected to remove more than 10% of transcript. Also, the variant is reported at an extremely low frequency in population databases like GnomAD.